The following is an entry in ClinVar:

ClinVar aggregate classification (germline): Pathogenic. Review status: criteria provided, multiple submitters, no conflicts (2 of 4 stars). 3 submissions from 3 submitters: Pathogenic (3). Last evaluated 2024-01-08.

Conditions:
Tubulinopathy. Also called: Tubulinopathies. Identifiers: MedGen CN850169, MONDO:0100153.
Lissencephaly due to TUBA1A mutation (CDCBM16). Also called: Lissencephaly 3; CORTICAL DYSPLASIA, COMPLEX, WITH OTHER BRAIN MALFORMATIONS 16. Identifiers: Orphanet 171680, MedGen C4305153, MONDO:0012703, OMIM 611603.

Submissions (3):

GeneDx
Classification: Pathogenic. Last evaluated: 2024-01-08. Review status: criteria provided, single submitter. Criteria: GeneDx Variant Classification Process June 2021. Collection method: clinical testing. Allele origin: germline. Affected: yes.
Comment: Missense variants in this gene are a common cause of disease and they are underrepresented in the general population; In silico analysis supports that this missense variant has a deleterious effect on protein structure/function; Not observed at significant frequency in large population cohorts (gnomAD); This variant is associated with the following publications: (PMID: 24860126, 30744660)

Baylor Genetics
Classification: Pathogenic for Lissencephaly due to TUBA1A mutation. Last evaluated: 2018-10-12. Review status: criteria provided, single submitter. Criteria: ACMG Guidelines, 2015. Collection method: clinical testing. Allele origin: germline. Affected: yes.

Institute of Human Genetics, FAU Erlangen, Friedrich-Alexander-Universität Erlangen-Nürnberg
Classification: Pathogenic for Tubulinopathies. Last evaluated: 2018-07-01. Review status: criteria provided, single submitter. Criteria: ACMG Guidelines, 2015. Collection method: literature only. Allele origin: de novo. Affected: yes. Observed: 1 variant allele.
Comment: The c.167C>T, p.(Thr56Met) variant has been reported as a variant of de novo origin. This variant and associated phenotype was previously reported by Bahi-Buisson et al. Brain, 2014 PMID: 24860126. Agyria (HP:0031882); Cerebellar vermis hypoplasia (HP:0001320); Hypoplasia of the pons (HP:0012110); Cerebellar hypoplasia (HP:0001321); Gray matter heterotopia (HP:0002281); Microcephaly (HP:0000252); Optic nerve hypoplasia (HP:0000609)

Literature cited by the submitters: PubMed 24860126 (cited by Baylor Genetics); PubMed 30744660 (cited by Institute of Human Genetics, FAU Erlangen, Friedrich-Alexander-Universität Erlangen-Nürnberg); DOI 10.1101/427948 (cited by Institute of Human Genetics, FAU Erlangen, Friedrich-Alexander-Universität Erlangen-Nürnberg).

NM_006009.4(TUBA1A):c.167C>T (p.Thr56Met)

Gene: TUBA1A (tubulin alpha 1a; minus strand). Cytogenetic location: 12q13.12.
Variant type: single nucleotide variant.
Coding change: c.167C>T on transcript NM_006009.4 (MANE Select); coding-DNA position 167, C replaced by T.
Protein change: p.Thr56Met; replaces threonine 56 with methionine.
Molecular consequence: missense variant.
Genome position (GRCh38, 1-based): chr12:49,186,670, G>A on the plus strand (C>T on the coding strand, the complement: TUBA1A is on the minus strand). VCF-style: chr12-49186670-G-A. GRCh37 (hg19) VCF-style: chr12-49580453-G-A.
Other names: c.167C>T, p.Thr56Met (NM_001270399.2); c.62C>T, p.Thr21Met (NM_001270400.2); short protein forms T56M, T21M.
Identifiers: ClinVar variation 625513 (VCV000625513.7), dbSNP rs1565627727, ClinGen allele CA384644979.